The following is an entry in ClinVar:

ClinVar aggregate classification (germline): Uncertain significance (1 of 4 stars; one submission).

Submission:

GeneDx
Classification: Uncertain significance. Last evaluated: 2024-12-05. Review status: criteria provided, single submitter. Criteria: GeneDx Variant Classification Process June 2021. Collection method: clinical testing. Allele origin: germline. Affected: yes.
Comment: Has not been previously published as pathogenic or benign to our knowledge; Not observed at significant frequency in large population cohorts (gnomAD); In silico analysis indicates that this missense variant does not alter protein structure/function

NM_001081550.2(THOC2):c.584A>G (p.Asn195Ser)

Gene: THOC2 (THO complex subunit 2; minus strand). Cytogenetic location: Xq25.
Variant type: single nucleotide variant.
Coding change: c.584A>G on transcript NM_001081550.2 (MANE Select); coding-DNA position 584, A replaced by G.
Protein change: p.Asn195Ser; replaces asparagine 195 with serine.
Molecular consequence: missense variant.
Genome position (GRCh38, 1-based): chrX:123,696,038, T>C on the plus strand (A>G on the coding strand, the complement: THOC2 is on the minus strand). VCF-style: chrX-123696038-T-C. GRCh37 (hg19) VCF-style: chrX-122829888-T-C.
Other names: short protein forms N195S.
Identifiers: ClinVar variation 3901593 (VCV003901593.1).